The following is an entry in ClinVar:

ClinVar aggregate classification (germline): Pathogenic (1 of 4 stars; one submission).

Conditions:
Reduced sperm motility. Also called: asthenozoospermia. Identifiers: MedGen C4082176, HP:0012207.
Abnormal sperm morphology. Also called: Teratozoospermia. Identifiers: MedGen C0403824, HP:0012864.

Submission:

Huzhibin Lab, Nanjing Medical University
Classification: Pathogenic for Reduced sperm motility; Abnormal sperm morphology. Review status: criteria provided, single submitter. Criteria: ACMG Guidelines, 2015. Collection method: research. Allele origin: germline. Inheritance: Autosomal recessive inheritance. Affected: yes. Observed: 1 variant allele, 1 homozygote.
Comment: Criteria:PVS1,PS4,PM2,PM4 This gene is a known causative gene for teratozoospermia, and male KI mice of this gene have been shown to have a teratospermic phenotype and be infertile in males. Here, we find a rare homozygous variant in this gene that was not found in the control population, and this variant cannot be found in the gnomad and ExAC databases. It can also lead to change in the length of protein.

Literature cited by the submitters: PubMed 37325566.

NM_017868.4(TTC12):c.1468del (p.Asp490fs)

Gene: TTC12 (tetratricopeptide repeat domain 12; plus strand). Cytogenetic location: 11q23.2.
Variant type: Deletion.
Coding change: c.1468del on transcript NM_017868.4 (MANE Select); coding-DNA position 1468, one base deleted (G; older notation c.1468delG).
Protein change: p.Asp490fs; shifts the reading frame from aspartic acid 490.
Molecular consequence: frameshift variant. On other transcripts: non-coding transcript variant (3).
Genome position (GRCh38, 1-based): chr11:113,359,384, G deleted; the last of 2 consecutive G bases (chr11:113,359,383-113,359,384); deleting either gives the same sequence. VCF-style (leftmost placement, unchanged base first): chr11-113359382-TG-T. GRCh37 (hg19) VCF-style: chr11-113230104-TG-T.
Other names: c.1486del, p.Asp496fs (NM_001318533.2); c.1393del, p.Asp465fs (NM_001352037.2); c.1471del, p.Asp491fs (NM_001378063.1); c.1468del, p.Asp490fs (NM_001378064.1, NM_001378065.1); c.1467delG (NM_017868.4); short protein forms D465fs, D490fs, D491fs, D496fs.
Identifiers: ClinVar variation 3239647 (VCV003239647.2).